The following is an entry in ClinVar:

ClinVar aggregate classification (germline): Likely benign. Review status: criteria provided, multiple submitters, no conflicts (2 of 4 stars). 4 submissions from 4 submitters: Likely benign (3). 1 of the submissions does not count toward it. Last evaluated 2024-05-18.

Conditions:
Long QT syndrome (LQTS). Identifiers: MedGen C0023976, MeSH D008133, MONDO:0002442. Disease mechanism: loss of function. Inheritance: Various modes of inheritance.
SNTA1-related disorder. Also called: SNTA1-related condition.
Cardiovascular phenotype. Identifiers: MedGen CN230736.

Allele frequency attached by ClinVar (database versions not stated): ExAC 0.00002; TOPMed 0.00002; gnomAD exomes 0.00004.
gnomAD v4.1: 11 of 1,614,196 alleles (0.00068%); highest among the groups gnomAD compares: Admixed American, 0.018%; no homozygotes.

Submissions (4):

Labcorp Genetics (formerly Invitae), Labcorp
Classification: Likely benign for Long QT syndrome. Last evaluated: 2024-05-18. Review status: criteria provided, single submitter. Criteria: Invitae Variant Classification Sherloc (09022015). Collection method: clinical testing. Allele origin: germline.

Ambry Genetics
Classification: Likely benign for Cardiovascular phenotype. Last evaluated: 2020-12-17. Review status: criteria provided, single submitter. Criteria: Ambry Variant Classification Scheme 2023. Collection method: clinical testing. Allele origin: germline.

GeneDx
Classification: Likely benign. Last evaluated: 2017-08-04. Review status: criteria provided, single submitter. Criteria: GeneDx Variant Classification (06012015). Collection method: clinical testing. Allele origin: germline. Affected: yes.
Comment: This variant is considered likely benign or benign based on one or more of the following criteria: it is a conservative change, it occurs at a poorly conserved position in the protein, it is predicted to be benign by multiple in silico algorithms, and/or has population frequency not consistent with disease.

PreventionGenetics, part of Exact Sciences
Classification: Likely benign for SNTA1-related condition. Last evaluated: 2019-06-26. Review status: no assertion criteria provided. Collection method: clinical testing. Allele origin: germline. Not counted in ClinVar's aggregate classification.
Comment: This variant is classified as likely benign based on ACMG/AMP sequence variant interpretation guidelines (Richards et al. 2015 PMID: 25741868, with internal and published modifications).

NM_003098.3(SNTA1):c.339C>G (p.Leu113=)

Gene: SNTA1 (syntrophin alpha 1; minus strand). Cytogenetic location: 20q11.21.
Variant type: single nucleotide variant.
Coding change: c.339C>G on transcript NM_003098.3 (MANE Select); coding-DNA position 339, C replaced by G.
Protein change: p.Leu113=; no amino-acid change (leucine 113 retained).
Molecular consequence: synonymous variant.
Genome position (GRCh38, 1-based): chr20:33,438,998, G>C on the plus strand (C>G on the coding strand, the complement: SNTA1 is on the minus strand). VCF-style: chr20-33438998-G-C. GRCh37 (hg19) VCF-style: chr20-32026804-G-C.
Identifiers: ClinVar variation 511314 (VCV000511314.8), dbSNP rs746780665, ClinGen allele CA9817238.